The following is an entry in ClinVar:

ClinVar aggregate classification (germline): Uncertain significance (1 of 4 stars; one submission).

Allele frequency attached by ClinVar (database versions not stated): gnomAD exomes below 0.00001.

Submission:

Labcorp Genetics (formerly Invitae), Labcorp
Classification: Uncertain significance. Last evaluated: 2024-02-24. Review status: criteria provided, single submitter. Criteria: Invitae Variant Classification Sherloc (09022015). Collection method: clinical testing. Allele origin: germline.
Comment: This sequence change replaces methionine, which is neutral and non-polar, with valine, which is neutral and non-polar, at codon 1311 of the LAMA1 protein (p.Met1311Val). This variant is not present in population databases (gnomAD no frequency). This variant has not been reported in the literature in individuals affected with LAMA1-related conditions. ClinVar contains an entry for this variant (Variation ID: 1374362). Advanced modeling of protein sequence and biophysical properties (such as structural, functional, and spatial information, amino acid conservation, physicochemical variation, residue mobility, and thermodynamic stability) performed at Invitae indicates that this missense variant is not expected to disrupt LAMA1 protein function with a negative predictive value of 80%. In summary, the available evidence is currently insufficient to determine the role of this variant in disease. Therefore, it has been classified as a Variant of Uncertain Significance.

NM_005559.4(LAMA1):c.3931A>G (p.Met1311Val)

Gene: LAMA1 (laminin subunit alpha 1; minus strand). Cytogenetic location: 18p11.31.
Variant type: single nucleotide variant.
Coding change: c.3931A>G on transcript NM_005559.4 (MANE Select); coding-DNA position 3931, A replaced by G.
Protein change: p.Met1311Val; replaces methionine 1311 with valine.
Molecular consequence: missense variant.
Genome position (GRCh38, 1-based): chr18:7,009,309, T>C on the plus strand (A>G on the coding strand, the complement: LAMA1 is on the minus strand). VCF-style: chr18-7009309-T-C. GRCh37 (hg19) VCF-style: chr18-7009308-T-C.
Other names: short protein forms M1311V.
Identifiers: ClinVar variation 1374362 (VCV001374362.6), dbSNP rs2144111798, ClinGen allele CA401847984.